The following is an entry in ClinVar:

NM_000258.3(MYL3):c.454G>A (p.Glu152Lys)

Gene: MYL3 (myosin light chain 3; minus strand). Cytogenetic location: 3p21.31.
Variant type: single nucleotide variant.
Coding change: c.454G>A on transcript NM_000258.3 (MANE Select); coding-DNA position 454, G replaced by A.
Protein change: p.Glu152Lys; replaces glutamic acid 152 with lysine.
Molecular consequence: missense variant.
Genome position (GRCh38, 1-based): chr3:46,859,502, C>T on the plus strand (G>A on the coding strand, the complement: MYL3 is on the minus strand). VCF-style: chr3-46859502-C-T. GRCh37 (hg19) VCF-style: chr3-46900992-C-T.
Other names: short protein forms E152K.
Identifiers: ClinVar variation 31782 (VCV000031782.11), dbSNP rs199474705, ClinGen allele CA013840.
Genomic context (GRCh38, chr3:46,859,502, plus strand): 5'-AGGAGTTGGGGTAGGGGAGGAGGCTGCCCTCACCCAGCGTGGCCAGCACGTGGCGAAGCT[C>T]AGCACCCATGACAGTGCCATTGCCCTCCTTGTCGAAGACCCGCAGCCCCTCCACGAAGTC-3'
Protein context (NP_000249.1, residues 142-162): KEGNGTVMGA[Glu152Lys]LRHVLATLGE

ClinVar aggregate classification (germline): Conflicting classifications of pathogenicity. Review status: criteria provided, conflicting classifications (1 of 4 stars). 3 submissions from 3 submitters: Likely pathogenic (1); Uncertain significance (1). 1 of the submissions does not count toward it. Last evaluated 2025-02-12.

Conditions:
Hypertrophic cardiomyopathy. Also called: HYPERTROPHIC MYOCARDIOPATHY. Identifiers: Orphanet 217569, MedGen C0007194, MeSH D002312, MONDO:0005045, HP:0001639.

Submissions (3):

Labcorp Genetics (formerly Invitae), Labcorp
Classification: Uncertain significance for Hypertrophic cardiomyopathy. Last evaluated: 2025-02-12. Review status: criteria provided, single submitter. Criteria: Invitae Variant Classification Sherloc (09022015). Collection method: clinical testing. Allele origin: germline.
Comment: This sequence change replaces glutamic acid, which is acidic and polar, with lysine, which is basic and polar, at codon 152 of the MYL3 protein (p.Glu152Lys). This variant is not present in population databases (gnomAD no frequency). This missense change has been observed in individuals with hypertrophic cardiomyopathy (PMID: 20031618, 27532257, 37652022; internal data). ClinVar contains an entry for this variant (Variation ID: 31782). An algorithm developed to predict the effect of missense changes on protein structure and function (PolyPhen-2) suggests that this variant is likely to be disruptive. In summary, the available evidence is currently insufficient to determine the role of this variant in disease. Therefore, it has been classified as a Variant of Uncertain Significance.

GeneDx
Classification: Likely pathogenic. Last evaluated: 2018-08-09. Review status: criteria provided, single submitter. Criteria: GeneDx Variant Classification (06012015). Collection method: clinical testing. Allele origin: germline. Affected: yes.
Comment: The E152K likely pathogenic variant in the MYL3 gene has been reported previously in one individual with pre-adolescent HCM, and was absent in 400 control alleles (Kaski et al., 2009). Furthermore, the E152K variant was not observed in approximately 6,500 individuals of European and African American ancestry in the NHLBI Exome Sequencing Project, indicating it is not a common benign variant in these populations. In addition, the E152K variant is a non-conservative amino acid substitution, which is likely to impact secondary protein structure as these residues differ in polarity, charge, size and/or other properties. Located in the calcium binding EF-hand domain, this substitution occurs at a position that is conserved across species (Kaski et al., 2009). Consequently, in silico analysis predicts this variant is probably damaging to the protein structure/function. Moreover, missense variants in nearby residues (M149V, M149T, M149I, R154C, R154H) have been reported in the Human Gene Mutation Database in association with HCM (Stenson et al., 2014), supporting the functional importance of this region of the protein.Therefore, this variant is likely pathogenic. In order to definitively determine its clinical significance, additional data is required.

Leiden Muscular Dystrophy (MYL3)
No classification provided. Last evaluated: 2012-03-18. Review status: no classification provided. Collection method: curation. Allele origin: germline. Not counted in ClinVar's aggregate classification.

Literature cited by the submitters: PubMed 20031618 (cited by Labcorp Genetics (formerly Invitae), Labcorp); PubMed 27532257 (cited by Labcorp Genetics (formerly Invitae), Labcorp); PubMed 37652022 (cited by Labcorp Genetics (formerly Invitae), Labcorp).